The following is an entry in ClinVar:

NM_002439.5(MSH3):c.2171A>G (p.Asp724Gly)

Gene: MSH3 (mutS homolog 3; plus strand). Cytogenetic location: 5q14.1.
Variant type: single nucleotide variant.
Coding change: c.2171A>G on transcript NM_002439.5 (MANE Select); coding-DNA position 2171, A replaced by G.
Protein change: p.Asp724Gly; replaces aspartic acid 724 with glycine.
Molecular consequence: missense variant.
Genome position (GRCh38, 1-based): chr5:80,768,921, A>G. VCF-style: chr5-80768921-A-G. GRCh37 (hg19) VCF-style: chr5-80064740-A-G.
Other names: c.2171A>G (NM_002439.3); short protein forms D724G.
Identifiers: ClinVar variation 1414916 (VCV001414916.9), dbSNP rs2112885194, ClinGen allele CA360279495.

ClinVar aggregate classification (germline): Uncertain significance. Review status: criteria provided, multiple submitters, no conflicts (2 of 4 stars). 2 submissions from 2 submitters: Uncertain significance (2). Last evaluated 2026-02-16.

Conditions:
Hereditary cancer-predisposing syndrome. Also called: Neoplastic Syndromes, Hereditary; Tumor predisposition; Hereditary Cancer Syndrome; Hereditary neoplastic syndrome. Identifiers: Orphanet 140162, MedGen C0027672, MeSH D009386, MONDO:0015356.

Allele frequency attached by ClinVar (database versions not stated): gnomAD exomes below 0.00001.
gnomAD v4.1: 5 of 1,612,860 alleles (0.00031%); highest among the groups gnomAD compares: Non-Finnish European, 0.00042%; no homozygotes.

Submissions (2):

Ambry Genetics
Classification: Uncertain significance for Hereditary cancer-predisposing syndrome. Last evaluated: 2026-02-16. Review status: criteria provided, single submitter. Criteria: Ambry Variant Classification Scheme 2023. Collection method: clinical testing. Allele origin: germline.
Comment: The p.D724G variant (also known as c.2171A>G), located in coding exon 15 of the MSH3 gene, results from an A to G substitution at nucleotide position 2171. The aspartic acid at codon 724 is replaced by glycine, an amino acid with similar properties. This amino acid position is conserved. In addition, this alteration is predicted to be tolerated by in silico analysis. Based on the available evidence, the clinical significance of this variant remains unclear.

Labcorp Genetics (formerly Invitae), Labcorp
Classification: Uncertain significance. Last evaluated: 2025-05-19. Review status: criteria provided, single submitter. Criteria: Invitae Variant Classification Sherloc (09022015). Collection method: clinical testing. Allele origin: germline.
Comment: This sequence change replaces aspartic acid, which is acidic and polar, with glycine, which is neutral and non-polar, at codon 724 of the MSH3 protein (p.Asp724Gly). This variant is not present in population databases (gnomAD no frequency). This variant has not been reported in the literature in individuals affected with MSH3-related conditions. ClinVar contains an entry for this variant (Variation ID: 1414916). An algorithm developed to predict the effect of missense changes on protein structure and function (PolyPhen-2) suggests that this variant is likely to be tolerated. In summary, the available evidence is currently insufficient to determine the role of this variant in disease. Therefore, it has been classified as a Variant of Uncertain Significance.